The following is an entry in ClinVar:

NM_080680.3(COL11A2):c.2431-11G>A

Gene: COL11A2 (collagen type XI alpha 2 chain; minus strand). Cytogenetic location: 6p21.32.
Variant type: single nucleotide variant.
Coding change: c.2431-11G>A on transcript NM_080680.3 (MANE Select); 11 bases into the intron before coding-DNA position 2431, G replaced by A.
Molecular consequence: intron variant.
Genome position (GRCh38, 1-based): chr6:33,174,229, C>T on the plus strand (G>A on the coding strand, the complement: COL11A2 is on the minus strand). VCF-style: chr6-33174229-C-T. GRCh37 (hg19) VCF-style: chr6-33142006-C-T.
Other names: c.2110-11G>A (NM_080679.3); c.2173-11G>A (NM_080681.3).
Identifiers: ClinVar variation 227265 (VCV000227265.17), dbSNP rs368695514, ClinGen allele CA3750901.

ClinVar aggregate classification (germline): Likely benign. Review status: criteria provided, multiple submitters, no conflicts (2 of 4 stars). 6 submissions from 6 submitters: Likely benign (6). Last evaluated 2026-02-03.

Allele frequency attached by ClinVar (database versions not stated): gnomAD exomes 0.00028; ESP Exome Variant Server 0.00036; TOPMed 0.00040; ExAC 0.00042; gnomAD 0.00043 and 0.00048.
gnomAD v4.1: 285 of 1,554,140 alleles (0.018%); highest among the groups gnomAD compares: African/African-American, 0.083%; no homozygotes.

Submissions (6):

Labcorp Genetics (formerly Invitae), Labcorp
Classification: Likely benign. Last evaluated: 2026-02-03. Review status: criteria provided, single submitter. Criteria: Invitae Variant Classification Sherloc (09022015). Collection method: clinical testing. Allele origin: germline.

Blueprint Genetics
Classification: Likely benign. Last evaluated: 2024-11-11. Review status: criteria provided, single submitter. Criteria: ACMG Guidelines, 2015. Collection method: clinical testing. Allele origin: germline.

Women's Health and Genetics/Laboratory Corporation of America, LabCorp
Classification: Likely benign. Last evaluated: 2024-02-06. Review status: criteria provided, single submitter. Criteria: LabCorp Variant Classification Summary - May 2015. Collection method: clinical testing. Allele origin: germline.
Comment: Variant summary: COL11A2 c.2431-11G>A alters a non-conserved nucleotide located at a position not widely known to affect splicing. Consensus agreement among computation tools predict no significant impact on normal splicing. However, these predictions have yet to be confirmed by functional studies. The variant allele was found at a frequency of 0.00028 in 162034 control chromosomes. This frequency does not allow for any conclusion about variant significance. To our knowledge, no occurrence of c.2431-11G>A in individuals affected with COL11A2-Related Disorders and no experimental evidence demonstrating its impact on protein function have been reported. ClinVar contains an entry for this variant (Variation ID: 227265). Based on the evidence outlined above, the variant was classified as likely benign.

GeneDx
Classification: Likely benign. Last evaluated: 2021-03-07. Review status: criteria provided, single submitter. Criteria: GeneDx Variant Classification Process June 2021. Collection method: clinical testing. Allele origin: germline. Affected: yes.

Laboratory for Molecular Medicine, Mass General Brigham Personalized Medicine
Classification: Likely benign. Last evaluated: 2015-02-27. Review status: criteria provided, single submitter. Criteria: LMM Criteria. Collection method: clinical testing. Allele origin: germline. Observed: 1 variant allele.
Comment: c.2431-11G>A in intron 31 of COL11A2: This variant is not expected to have clini cal significance because the nucleotide at position c.2431-11 is not conserved t hrough species, with many species having an adenine (A) at this position. In add ition, this variant is not predicted to impact splicing, and it has been identif ied in 8/9116 European chromosomes by the Exome Aggregation Consortium (ExAC; dbSNP rs368695514).

Breakthrough Genomics
Classification: Likely benign. Review status: criteria provided, single submitter. Criteria: ACMG Guidelines, 2015. Collection method: not provided. Allele origin: germline. Inheritance: Autosomal recessive inheritance. Affected: yes.